The following is an entry in ClinVar:

ClinVar aggregate classification (germline): Uncertain significance. Review status: criteria provided, multiple submitters, no conflicts (2 of 4 stars). 3 submissions from 3 submitters: Uncertain significance (3). Last evaluated 2025-08-18.

Conditions:
Dilated cardiomyopathy 1W (CMD1W). Identifiers: Orphanet 154, MedGen C1969639, MONDO:0012667, OMIM 611407.
Hypertrophic cardiomyopathy 15. Identifiers: MedGen C2750459, MONDO:0013200, OMIM 613255.

Allele frequency attached by ClinVar (database versions not stated): gnomAD exomes below 0.00001.
gnomAD v4.1: 1 of 1,614,128 alleles (0.000062%); highest among the groups gnomAD compares: Admixed American, 0.0017%; no homozygotes.

Submissions (3):

Labcorp Genetics (formerly Invitae), Labcorp
Classification: Uncertain significance for Dilated cardiomyopathy 1W. Last evaluated: 2025-08-18. Review status: criteria provided, single submitter. Criteria: Invitae Variant Classification Sherloc (09022015). Collection method: clinical testing. Allele origin: germline.
Comment: This sequence change replaces lysine, which is basic and polar, with glutamine, which is neutral and polar, at codon 607 of the VCL protein (p.Lys607Gln). This variant is not present in population databases (gnomAD no frequency). This variant has not been reported in the literature in individuals affected with VCL-related conditions. ClinVar contains an entry for this variant (Variation ID: 202162). An algorithm developed to predict the effect of missense changes on protein structure and function (PolyPhen-2) suggests that this variant is likely to be disruptive. In summary, the available evidence is currently insufficient to determine the role of this variant in disease. Therefore, it has been classified as a Variant of Uncertain Significance.

Fulgent Genetics
Classification: Uncertain significance for Dilated cardiomyopathy 1W; Hypertrophic cardiomyopathy 15. Last evaluated: 2021-09-02. Review status: criteria provided, single submitter. Criteria: ACMG Guidelines, 2015. Collection method: clinical testing. Allele origin: unknown.

GeneDx
Classification: Uncertain significance. Last evaluated: 2014-06-30. Review status: criteria provided, single submitter. Criteria: GeneDx Variant Classification (06012015). Collection method: clinical testing. Allele origin: germline. Affected: yes.
Comment: p.Lys607Gln (AAG>CAG): c.1819 A>C in exon 13 of the VCL gene (NM_014000.2). The K607Q variant has not been published as a mutation, nor has it been reported as a benign polymorphism to our knowledge. The K607Q variant was not observed in approximately 6500 individuals of European and African American ancestry in the NHLBI Exome Sequencing Project, indicating it is not a common benign variant in these populations. This substitution occurs at a position that is highly conserved across species and in silico analysis predicts this variant is probably damaging to the protein structure/function. The K607Q variant is a semi-conservative amino acid substitution, which may impact secondary protein structure as these residues differ in some properties.Therefore, based on the currently available information, it is unclear whether this variant is a pathogenic mutation or a rare benign variant. The variant is found in CARDIOMYOPATHY panel(s).

NM_014000.3(VCL):c.1819A>C (p.Lys607Gln)

Gene: VCL (vinculin; plus strand). Cytogenetic location: 10q22.2.
Variant type: single nucleotide variant.
Coding change: c.1819A>C on transcript NM_014000.3 (MANE Select); coding-DNA position 1819, A replaced by C.
Protein change: p.Lys607Gln; replaces lysine 607 with glutamine.
Molecular consequence: missense variant.
Genome position (GRCh38, 1-based): chr10:74,097,279, A>C. VCF-style: chr10-74097279-A-C. GRCh37 (hg19) VCF-style: chr10-75857037-A-C.
Other names: p.K607Q:AAG>CAG; c.1819A>C, p.Lys607Gln (NM_003373.4); short protein forms K607Q.
Identifiers: ClinVar variation 202162 (VCV000202162.13), dbSNP rs794729192, ClinGen allele CA335640.